The following is an entry in ClinVar:

NM_000132.4(F8):c.606T>G (p.Ser202Arg)

Gene: F8 (coagulation factor VIII; minus strand). Cytogenetic location: Xq28.
Variant type: single nucleotide variant.
Coding change: c.606T>G on transcript NM_000132.4 (MANE Select); coding-DNA position 606, T replaced by G.
Protein change: p.Ser202Arg; replaces serine 202 with arginine.
Molecular consequence: missense variant.
Genome position (GRCh38, 1-based): chrX:154,987,301, A>C on the plus strand (T>G on the coding strand, the complement: F8 is on the minus strand). VCF-style: chrX-154987301-A-C. GRCh37 (hg19) VCF-style: chrX-154215576-A-C.
Other names: short protein forms S202R.
Identifiers: ClinVar variation 811454 (VCV000811454.8), dbSNP rs1603436217, ClinGen allele CA414919339.
Genomic context (GRCh38, chrX:154,987,301, plus strand): 5'-ATCAAATACAGCAAAAAGTAGTATAAATTTGTGCAAGGTCTGTGTCTTTTCCTTGGCCAG[A>C]CTCCCTGAAAAAGAAGTGAGAACATTTATCTTCTATTTAAAAAATCTCATTGTAGGAAAT-3'
Protein context (NP_000123.1, residues 192-212): IGALLVCREG[Ser202Arg]LAKEKTQTLH

ClinVar aggregate classification (germline): Likely pathogenic (1 of 4 stars; one submission).

Conditions:
Hereditary factor VIII deficiency disease (HEMA). Also called: AUTOSOMAL HEMOPHILIA A; Hemophilia A; HEMOPHILIA, CLASSIC; Hemophilia A, congenital; HEM A; Factor 8 deficiency, congenital. Identifiers: Orphanet 98878, MedGen C0019069, MONDO:0010602, OMIM 306700.

Submission:

ARUP Laboratories, Molecular Genetics and Genomics, ARUP Laboratories
Classification: Likely pathogenic for Hereditary factor VIII deficiency disease. Last evaluated: 2019-06-07. Review status: criteria provided, single submitter. Criteria: ARUP Molecular Germline Variant Investigation Process. Collection method: clinical testing. Allele origin: germline.
Comment: The F8 c.606T>G; p.Ser202Arg variant, also reported as Ser183Arg, has been described in at least one individual with mild hemophilia A (HA; see link to F8 database, Moller-Morlang 1999). It is absent from general population databases (Exome Variant Server and Genome Aggregation Database), indicating it is not a common polymorphism. Another variant at this codon (c.605G>A; p.Ser202Asn) as well as several missense variants at surrounding codons (197, 198, 200, 201, 203) have been described in individuals affected with HA (see link to F8 database and references therein, Arruda 1995, Guillet 2006, Lu 2018). Based on available information, the p.Ser202Arg variant is considered likely pathogenic. REFERENCES Link to F8 database: Arruda V et al. Eleven novel mutations in the factor VIII gene from Brazilian hemophilia A patients. Blood. 1995 Oct 15;86(8):3015-20. Guillet B et al. Detection of 95 novel mutations in coagulation factor VIII gene F8 responsible for hemophilia A: results from a single institution. Hum Mutat. 2006 Jul;27(7):676-85. Lu Y et al. Spectrum and origin of mutations in sporadic cases of haemophilia A in China. Haemophilia. 2018 Mar;24(2):291-298. Moller-Morlang K et al. Mutational-screening in the factor VIII gene resulting in the identification of three novel mutations, one of which is a donor splice mutation. Hum Mutat. 1999;13(6):504.